The following is an entry in ClinVar:

NM_004836.7(EIF2AK3):c.170C>T (p.Thr57Met)

Gene: EIF2AK3 (eukaryotic translation initiation factor 2 alpha kinase 3; minus strand). Cytogenetic location: 2p11.2.
Variant type: single nucleotide variant.
Coding change: c.170C>T on transcript NM_004836.7 (MANE Select); coding-DNA position 170, C replaced by T.
Protein change: p.Thr57Met; replaces threonine 57 with methionine.
Molecular consequence: missense variant.
Genome position (GRCh38, 1-based): chr2:88,627,105, G>A on the plus strand (C>T on the coding strand, the complement: EIF2AK3 is on the minus strand). VCF-style: chr2-88627105-G-A. GRCh37 (hg19) VCF-style: chr2-88926623-G-A.
Other names: c.170C>T (NM_004836.5); short protein forms T57M.
Identifiers: ClinVar variation 1411096 (VCV001411096.7), dbSNP rs773937986, ClinGen allele CA1755005.

ClinVar aggregate classification (germline): Uncertain significance. Review status: criteria provided, multiple submitters, no conflicts (2 of 4 stars). 3 submissions from 3 submitters: Uncertain significance (3). Last evaluated 2024-10-25.

Conditions:
Inborn genetic diseases. Identifiers: MedGen C0950123, MeSH D030342.
Wolcott-Rallison dysplasia. Also called: MED-IDDM SYNDROME; Wolcott-Rallison syndrome. Identifiers: Orphanet 1667, MedGen C0432217, MONDO:0009192, OMIM 226980.

Allele frequency attached by ClinVar (database versions not stated): gnomAD 0.00001; ExAC 0.00005.
gnomAD v4.1: 17 of 1,536,978 alleles (0.0011%); highest among the groups gnomAD compares: East Asian, 0.035%; no homozygotes.

Submissions (3):

Labcorp Genetics (formerly Invitae), Labcorp
Classification: Uncertain significance. Last evaluated: 2024-10-25. Review status: criteria provided, single submitter. Criteria: Invitae Variant Classification Sherloc (09022015). Collection method: clinical testing. Allele origin: germline.
Comment: This sequence change replaces threonine, which is neutral and polar, with methionine, which is neutral and non-polar, at codon 57 of the EIF2AK3 protein (p.Thr57Met). This variant is present in population databases (rs773937986, gnomAD 0.1%). This variant has not been reported in the literature in individuals affected with EIF2AK3-related conditions. ClinVar contains an entry for this variant (Variation ID: 1411096). Experimental studies and prediction algorithms are not available or were not evaluated, and the functional significance of this variant is currently unknown. In summary, the available evidence is currently insufficient to determine the role of this variant in disease. Therefore, it has been classified as a Variant of Uncertain Significance.

Fulgent Genetics
Classification: Uncertain significance for Wolcott-Rallison dysplasia. Last evaluated: 2024-03-06. Review status: criteria provided, single submitter. Criteria: ACMG Guidelines, 2015. Collection method: clinical testing. Allele origin: germline.

Ambry Genetics
Classification: Uncertain significance for Inborn genetic diseases. Last evaluated: 2023-12-21. Review status: criteria provided, single submitter. Criteria: Ambry Variant Classification Scheme 2023. Collection method: clinical testing. Allele origin: germline.